The following is an entry in ClinVar:

NM_001875.5(CPS1):c.1087-1G>T

Gene: CPS1 (carbamoyl-phosphate synthase 1; plus strand). Cytogenetic location: 2q34.
Variant type: single nucleotide variant.
Coding change: c.1087-1G>T on transcript NM_001875.5 (MANE Select); the canonical splice acceptor site of the intron before coding-DNA position 1087, G replaced by T.
Molecular consequence: splice acceptor variant.
Genome position (GRCh38, 1-based): chr2:210,592,878, G>T. VCF-style: chr2-210592878-G-T. GRCh37 (hg19) VCF-style: chr2-211457602-G-T.
Other names: c.1087-1G>T (NM_001369257.1, NM_001122633.3); c.1120-1G>T (NM_001369256.1).
Identifiers: ClinVar variation 420051 (VCV000420051.4), dbSNP rs1064794258, ClinGen allele CA16617422.
Genomic context (GRCh38, chr2:210,592,878, plus strand): 5'-ATAGCCACACTTGACATTCATTGTTACAGAAGGAATTTCTTCCTGTTTCTTATTCCTTTA[G>T]GGGATTATGCATGAGAGCAAACCCTTCTTCGCTGTGCAGTTCCACCCAGAGGTCACCCCG-3'

ClinVar aggregate classification (germline): Pathogenic/Likely pathogenic. Review status: criteria provided, multiple submitters, no conflicts (2 of 4 stars). 3 submissions from 3 submitters: Pathogenic (1); Likely pathogenic (2). Last evaluated 2025-01-14.

Conditions:
Congenital hyperammonemia, type I. Also called: Carbamoyl-phosphate synthase I deficiency; CPS I DEFICIENCY; Carbamoyl phosphate synthetase 1 deficiency; Hyperammonemia due to carbamoyl phosphate synthetase 1 deficiency; CPS 1 deficiency; Carbamyl phosphate synthetase (CPS) deficiency. Identifiers: Orphanet 147, MedGen C4082171, MONDO:0009376, OMIM 237300.
Pulmonary hypertension, neonatal, susceptibility to (PHN). Identifiers: MedGen C3714958, MONDO:0014151, OMIM 615371.

Submissions (3):

Myriad Genetics, Inc.
Classification: Likely pathogenic for Congenital hyperammonemia, type I. Last evaluated: 2025-01-14. Review status: criteria provided, single submitter. Criteria: Myriad Autosomal Dominant, Autosomal Recessive and X-Linked Classification Criteria (2023). Collection method: clinical testing. Allele origin: unknown.
Comment: NM_001875.4(CPS1):c.1087-1G>T is a variant in a canonical splice site classified as likely pathogenic in the context of carbamoylphosphate synthetase I deficiency. c.1087-1G>T has been observed in a case with relevant disease (PMID: 20800523). Relevant functional assessments of this variant are not available in the literature. c.1087-1G>T has not been observed in referenced population frequency databases. In summary, NM_001875.4(CPS1):c.1087-1G>T is a variant in a canonical splice site that has been observed more frequently in cases with the relevant disease than in healthy populations. Please note: this variant was assessed in the context of healthy population screening.

Baylor Genetics
Classification: Pathogenic for Pulmonary hypertension, neonatal, susceptibility to. Last evaluated: 2023-02-11. Review status: criteria provided, single submitter. Criteria: ACMG Guidelines, 2015. Collection method: clinical testing. Allele origin: unknown.

GeneDx
Classification: Likely pathogenic. Last evaluated: 2017-03-10. Review status: criteria provided, single submitter. Criteria: GeneDx Variant Classification (06012015). Collection method: clinical testing. Allele origin: germline. Affected: yes.
Comment: The c.1087-1 G>T splice site variant in the CPS1 gene has been previously reported in an individual with CPS1 deficiency using alternate nomenclature. This individual was also found to be heterozygous for another variant in the CPS1 gene (Eeds et al., 2006). The c.1087-1 G>T variant is predicted to destroy the canonical splice acceptor site in intron 10; the adjacent exon 11 is in frame. The c.1087-1 G>T variant is not observed in large population cohorts (Lek et al., 2016; 1000 Genomes Consortium et al., 2015; Exome Variant Server). In summary, this variant is likely pathogenic; however, the possibility that it is benign cannot be excluded.

Literature cited by the submitters: PubMed 20800523 (cited by Myriad Genetics, Inc.).